The following is an entry in ClinVar:

ClinVar aggregate classification (germline): Conflicting classifications of pathogenicity. Review status: criteria provided, conflicting classifications (1 of 4 stars). 2 submissions from 1 submitter: Uncertain significance (1); Benign (1). Last evaluated 2018-01-13.

Conditions:
Autosomal recessive nonsyndromic hearing loss 37. Identifiers: Orphanet 90636, MedGen C1843028, MONDO:0011912, OMIM 607821.
Autosomal dominant nonsyndromic hearing loss 22. Also called: Autosomal dominant nonsyndromic deafness 22; DFNA 22. Identifiers: Orphanet 228012, MedGen C2931767, MONDO:0011660, OMIM 606346.

Allele frequency attached by ClinVar (database versions not stated): TOPMed 0.00232; 1000 Genomes Project 30x 0.00344; gnomAD 0.00350 and 0.00357; 1000 Genomes Project 0.00359; gnomAD exomes 0.01887.
gnomAD v4.1: 536 of 152,770 alleles (0.35%); highest among the groups gnomAD compares: Admixed American, 1%; 6 homozygotes.

Submissions (2):

Illumina Laboratory Services, Illumina
Classification: Uncertain significance for Autosomal recessive nonsyndromic hearing loss 37. Last evaluated: 2018-01-13. Review status: criteria provided, single submitter. Criteria: ICSL Variant Classification Criteria 13 December 2019. Collection method: clinical testing. Allele origin: germline.

Illumina Laboratory Services, Illumina
Classification: Benign for Autosomal dominant nonsyndromic hearing loss 22. Last evaluated: 2018-01-13. Review status: criteria provided, single submitter. Criteria: ICSL Variant Classification Criteria 13 December 2019. Collection method: clinical testing. Allele origin: germline.
Comment: This variant was observed in the ICSL laboratory as part of a predisposition screen in an ostensibly healthy population. It had not been previously curated by ICSL or reported in the Human Gene Mutation Database (HGMD: prior to June 1st, 2018), and was therefore a candidate for classification through an automated scoring system. Utilizing variant allele frequency, disease prevalence and penetrance estimates, and inheritance mode, an automated score was calculated to assess if this variant is too frequent to cause the disease. Based on the score and internal cut-off values, a variant classified as benign is not then subjected to further curation. The score for this variant resulted in a classification of benign for this disease.

NM_004999.4(MYO6):c.*2716A>G

Gene: MYO6 (myosin VI; plus strand). Cytogenetic location: 6q14.1.
Variant type: single nucleotide variant.
Coding change: c.*2716A>G on transcript NM_004999.4 (MANE Select); 2716 bases downstream of the stop codon, A replaced by G.
Molecular consequence: 3 prime UTR variant. On other transcripts: non-coding transcript variant (1).
Genome position (GRCh38, 1-based): chr6:75,917,728, A>G. VCF-style: chr6-75917728-A-G. GRCh37 (hg19) VCF-style: chr6-76627445-A-G.
Other names: c.*2716A>G (NM_001300899.2, NM_001368136.1, NM_001368137.1 and 3 more transcripts).
Identifiers: ClinVar variation 358032 (VCV000358032.5), dbSNP rs188568413, ClinGen allele CA10627640.